The following is an entry in ClinVar:

ClinVar aggregate classification (germline): Pathogenic (1 of 4 stars; one submission).

Conditions:
Hereditary nonpolyposis colorectal neoplasms. Identifiers: MedGen C0009405, MeSH D003123.

Submission:

Labcorp Genetics (formerly Invitae), Labcorp
Classification: Pathogenic for Hereditary nonpolyposis colorectal neoplasms. Last evaluated: 2024-04-10. Review status: criteria provided, single submitter. Criteria: Invitae Variant Classification Sherloc (09022015). Collection method: clinical testing. Allele origin: germline.
Comment: This sequence change creates a premature translational stop signal (p.Val558Cysfs*5) in the MSH6 gene. It is expected to result in an absent or disrupted protein product. Loss-of-function variants in MSH6 are known to be pathogenic (PMID: 18269114, 24362816). This variant is not present in population databases (gnomAD no frequency). This variant has not been reported in the literature in individuals affected with MSH6-related conditions. ClinVar contains an entry for this variant (Variation ID: 1068844). For these reasons, this variant has been classified as Pathogenic.

Literature cited by the submitters: PubMed 18269114; PubMed 24362816.

NM_000179.3(MSH6):c.1671dup (p.Val558fs)

Gene: MSH6 (mutS homolog 6; plus strand). Cytogenetic location: 2p16.3.
Variant type: Duplication.
Coding change: c.1671dup on transcript NM_000179.3 (MANE Select); coding-DNA position 1671, one base duplicated (T; older notation c.1671dupT).
Protein change: p.Val558fs; shifts the reading frame from valine 558.
Molecular consequence: frameshift variant.
Genome position (GRCh38, 1-based): chr2:47,799,654, T duplicated. VCF-style (leftmost placement, unchanged base first): chr2-47799653-G-GT. GRCh37 (hg19) VCF-style: chr2-48026792-G-GT.
Other names: c.1281dup, p.Val428fs (NM_001281492.2); c.765dup, p.Val256fs (NM_001281493.2, NM_001281494.2); short protein forms V256fs, V428fs, V558fs.
Identifiers: ClinVar variation 1068844 (VCV001068844.7), dbSNP rs2104359762, ClinGen allele CA2499216106.